The following is an entry in ClinVar:

NM_001267550.2(TTN):c.40027A>G (p.Thr13343Ala)

Gene: TTN (titin; minus strand). Cytogenetic location: 2q31.2.
Variant type: single nucleotide variant.
Coding change: c.40027A>G on transcript NM_001267550.2 (MANE Select); coding-DNA position 40027, A replaced by G.
Protein change: p.Thr13343Ala; replaces threonine 13343 with alanine.
Molecular consequence: missense variant. On other transcripts: intron variant (5).
Genome position (GRCh38, 1-based): chr2:178,649,278, T>C on the plus strand (A>G on the coding strand, the complement: TTN is on the minus strand). VCF-style: chr2-178649278-T-C. GRCh37 (hg19) VCF-style: chr2-179514005-T-C.
Other names: c.13283-6961A>G (NM_003319.4); c.13859-6961A>G (NM_133437.4); c.13658-6961A>G (NM_133432.3); c.32593+539A>G (NM_133378.4); c.35374+539A>G (NM_001256850.1); short protein forms T13343A.
Identifiers: ClinVar variation 4881917 (VCV004881917.2).

ClinVar aggregate classification (germline): Uncertain significance (1 of 4 stars; one submission).

Submission:

Dasa
Classification: Uncertain significance. Last evaluated: 2025-10-02. Review status: criteria provided, single submitter. Criteria: DASA Assertion Criteria. Collection method: clinical testing. Allele origin: germline.
Comment: NM_001267550.2(TTN):c.40027A>G (p.Thr13343Ala) is a missense variant that results in the substitution of threonine with alanine. This variant is rare in population databases. Computational prediction algorithms are consistent with a benign effect. The currently available literature and clinical evidence are not sufficient to establish a definitive association between this variant and the reported condition. Therefore, this variant is classified as a variant of uncertain significance.